The following is an entry in ClinVar:

ClinVar aggregate classification (germline): Benign/Likely benign. Review status: criteria provided, multiple submitters, no conflicts (2 of 4 stars). 6 submissions from 6 submitters: Benign (1); Likely benign (5). Last evaluated 2026-05-15.

Conditions:
Hereditary cancer-predisposing syndrome. Also called: Hereditary neoplastic syndrome; Neoplastic Syndromes, Hereditary; Hereditary Cancer Syndrome; Tumor predisposition. Identifiers: Orphanet 140162, MedGen C0027672, MeSH D009386, MONDO:0015356.
Cardiovascular phenotype. Identifiers: MedGen CN230736.
Café-au-lait macules with pulmonary stenosis (WTSN). Also called: PULMONIC STENOSIS WITH CAFE-AU-LAIT SPOTS. Identifiers: MedGen C0553586, MONDO:0008672, OMIM 193520.
Neurofibromatosis-Noonan syndrome (NFNS). Also called: NEUROFIBROMATOSIS WITH NOONAN PHENOTYPE. Identifiers: Orphanet 638, MedGen C2931482, MONDO:0011035, OMIM 601321. Disease mechanism: loss of function.
Neurofibromatosis, familial spinal (FSNF). Identifiers: Orphanet 636, MedGen C1834235, MONDO:0008078, OMIM 162210. Disease mechanism: loss of function.
Juvenile myelomonocytic leukemia (JMML). Also called: LEUKEMIA, JUVENILE MYELOMONOCYTIC, SOMATIC. Identifiers: Orphanet 86834, MedGen C0349639, MONDO:0011908, OMIM 607785, HP:0012209.
Neurofibromatosis, type 1 (NF1). Also called: Peripheral type neurofibromatosis; Neurofibromatosis, type I; VON RECKLINGHAUSEN DISEASE; NEUROFIBROMATOSIS, TYPE I, SOMATIC. Identifiers: Orphanet 636, MedGen C0027831, MONDO:0018975, OMIM 162200. Disease mechanism: loss of function.

Allele frequency attached by ClinVar (database versions not stated): gnomAD exomes below 0.00001 and 0.00001; gnomAD 0.00001; TOPMed below 0.00001.
gnomAD v4.1: 4 of 1,613,744 alleles (0.00025%); highest among the groups gnomAD compares: Non-Finnish European, 0.00034%; no homozygotes.

Submissions (6):

Myriad Genetics, Inc.
Classification: Benign for Neurofibromatosis, type 1. Last evaluated: 2026-05-15. Review status: criteria provided, single submitter. Criteria: Myriad Autosomal Dominant, Autosomal Recessive and X-Linked Classification Criteria (2023). Collection method: clinical testing. Allele origin: unknown.
Comment: This variant is considered benign. This variant is a silent/synonymous amino acid change and it is not expected to impact splicing.

Labcorp Genetics (formerly Invitae), Labcorp
Classification: Likely benign for Neurofibromatosis, type 1. Last evaluated: 2026-01-19. Review status: criteria provided, single submitter. Criteria: Invitae Variant Classification Sherloc (09022015). Collection method: clinical testing. Allele origin: germline.

Genome-Nilou Lab
Classification: Likely benign for Neurofibromatosis, type 1. Last evaluated: 2022-03-15. Review status: criteria provided, single submitter. Criteria: ACMG Guidelines, 2015. Collection method: clinical testing. Allele origin: germline. Affected: no.

Sema4
Classification: Likely benign for Hereditary cancer-predisposing syndrome. Last evaluated: 2021-11-02. Review status: criteria provided, single submitter. Criteria: Sema4 Curation Guidelines. Collection method: curation. Allele origin: germline.

Fulgent Genetics
Classification: Likely benign for Neurofibromatosis, type 1; Neurofibromatosis, familial spinal; Café-au-lait macules with pulmonary stenosis; Neurofibromatosis-Noonan syndrome; Juvenile myelomonocytic leukemia. Last evaluated: 2021-08-18. Review status: criteria provided, single submitter. Criteria: ACMG Guidelines, 2015. Collection method: clinical testing. Allele origin: unknown.

Ambry Genetics
Classification: Likely benign for Cardiovascular phenotype; Hereditary cancer-predisposing syndrome. Last evaluated: 2017-05-10. Review status: criteria provided, single submitter. Criteria: Ambry Variant Classification Scheme 2023. Collection method: clinical testing. Allele origin: germline.

NM_001042492.3(NF1):c.1356A>G (p.Gln452=)

Gene: NF1 (neurofibromin 1; plus strand). Cytogenetic location: 17q11.2.
Variant type: single nucleotide variant.
Coding change: c.1356A>G on transcript NM_001042492.3 (MANE Select); coding-DNA position 1356, A replaced by G.
Protein change: p.Gln452=; no amino-acid change (glutamine 452 retained).
Molecular consequence: synonymous variant.
Genome position (GRCh38, 1-based): chr17:31,206,335, A>G. VCF-style: chr17-31206335-A-G. GRCh37 (hg19) VCF-style: chr17-29533353-A-G.
Other names: c.1356A>G, p.Gln452= (NM_000267.4, NM_001128147.3).
Identifiers: ClinVar variation 457530 (VCV000457530.18), dbSNP rs1324833228, ClinGen allele CA499222573.